The following is an entry in ClinVar:

ClinVar aggregate classification (germline): Uncertain significance. Review status: criteria provided, multiple submitters, no conflicts (2 of 4 stars). 6 submissions from 6 submitters: Uncertain significance (6). Last evaluated 2025-03-20.

Conditions:
Juvenile polyposis syndrome (JPS). Identifiers: Orphanet 2929, MedGen C0345893, MONDO:0017380, OMIM 174900.
Hereditary cancer-predisposing syndrome. Also called: Hereditary Cancer Syndrome; Hereditary neoplastic syndrome; Neoplastic Syndromes, Hereditary; Tumor predisposition. Identifiers: Orphanet 140162, MedGen C0027672, MeSH D009386, MONDO:0015356.
Polyposis syndrome, hereditary mixed, 2. Identifiers: Orphanet 157794, MedGen C1864730, MONDO:0012405, OMIM 610069.

Allele frequency attached by ClinVar (database versions not stated): gnomAD exomes below 0.00001; TOPMed below 0.00001; ExAC 0.00001; ESP Exome Variant Server 0.00008.

Submissions (6):

Ambry Genetics
Classification: Uncertain significance for Hereditary cancer-predisposing syndrome. Last evaluated: 2025-03-20. Review status: criteria provided, single submitter. Criteria: Ambry Variant Classification Scheme 2023. Collection method: clinical testing. Allele origin: germline.
Comment: The p.S171P variant (also known as c.511T>C), located in coding exon 5 of the BMPR1A gene, results from a T to C substitution at nucleotide position 511. The serine at codon 171 is replaced by proline, an amino acid with similar properties. This amino acid position is not well conserved in available vertebrate species. In addition, the in silico prediction for this alteration is inconclusive. Based on the available evidence, the clinical significance of this variant remains unclear.

Center for Genomic Medicine, Rigshospitalet, Copenhagen University Hospital
Classification: Uncertain significance. Last evaluated: 2025-03-04. Review status: criteria provided, single submitter. Criteria: ACMG Guidelines, 2015. Collection method: clinical testing. Allele origin: germline.

Baylor Genetics
Classification: Uncertain significance for Polyposis syndrome, hereditary mixed, 2. Last evaluated: 2024-03-09. Review status: criteria provided, single submitter. Criteria: ACMG Guidelines, 2015. Collection method: clinical testing. Allele origin: unknown.

Color Diagnostics, LLC DBA Color Health
Classification: Uncertain significance for Hereditary cancer-predisposing syndrome. Last evaluated: 2023-12-04. Review status: criteria provided, single submitter. Criteria: ACMG Guidelines, 2015. Collection method: clinical testing. Allele origin: germline.
Comment: This missense variant replaces serine with proline at codon 171 of the BMPR1A protein. Computational prediction suggests that this variant may not impact protein structure and function (internally defined REVEL score threshold <= 0.5, PMID: 27666373). To our knowledge, functional studies have not been reported for this variant. This variant has not been reported in individuals affected with BMPR1A-related disorders in the literature. This variant has been identified in 1/251150 chromosomes in the general population by the Genome Aggregation Database (gnomAD). The available evidence is insufficient to determine the role of this variant in disease conclusively. Therefore, this variant is classified as a Variant of Uncertain Significance.

Labcorp Genetics (formerly Invitae), Labcorp
Classification: Uncertain significance for Juvenile polyposis syndrome. Last evaluated: 2023-12-01. Review status: criteria provided, single submitter. Criteria: Invitae Variant Classification Sherloc (09022015). Collection method: clinical testing. Allele origin: germline.
Comment: This sequence change replaces serine, which is neutral and polar, with proline, which is neutral and non-polar, at codon 171 of the BMPR1A protein (p.Ser171Pro). This variant is present in population databases (rs377733546, gnomAD 0.0009%). This variant has not been reported in the literature in individuals affected with BMPR1A-related conditions. ClinVar contains an entry for this variant (Variation ID: 924435). Advanced modeling of protein sequence and biophysical properties (such as structural, functional, and spatial information, amino acid conservation, physicochemical variation, residue mobility, and thermodynamic stability) performed at Invitae indicates that this missense variant is not expected to disrupt BMPR1A protein function with a negative predictive value of 80%. In summary, the available evidence is currently insufficient to determine the role of this variant in disease. Therefore, it has been classified as a Variant of Uncertain Significance.

Sema4
Classification: Uncertain significance for Hereditary cancer-predisposing syndrome. Last evaluated: 2022-02-15. Review status: criteria provided, single submitter. Criteria: Sema4 Curation Guidelines. Collection method: curation. Allele origin: germline.
Comment: The BMPR1A c.511T>C (p.S171P) variant has not been reported in the literature to our knowledge. It was observed in 1/113628 chromosomes of the European (non-Finnish) subpopulation, in the large and broad cohorts of the Genome Aggregation Database (PMID: 32461654). This variant has been reported in ClinVar (Variation ID 924435). Functional studies have not been performed, and in silico predictions of the variant's effect on protein function are inconclusive. The evidence is insufficient to meet ACMG/AMP criteria for classifying the variant as benign or pathogenic. Thus, the clinical significance of this variant is currently uncertain.

NM_004329.3(BMPR1A):c.511T>C (p.Ser171Pro)

Gene: BMPR1A (bone morphogenetic protein receptor type 1A; plus strand). Cytogenetic location: 10q23.2.
Variant type: single nucleotide variant.
Coding change: c.511T>C on transcript NM_004329.3 (MANE Select); coding-DNA position 511, T replaced by C.
Protein change: p.Ser171Pro; replaces serine 171 with proline.
Molecular consequence: missense variant.
Genome position (GRCh38, 1-based): chr10:86,900,107, T>C. VCF-style: chr10-86900107-T-C. GRCh37 (hg19) VCF-style: chr10-88659864-T-C.
Other names: short protein forms S171P.
Identifiers: ClinVar variation 924435 (VCV000924435.21), dbSNP rs377733546, ClinGen allele CA5585535.